The following is an entry in ClinVar:

NM_007294.4(BRCA1):c.4830T>G (p.Ser1610=)

Gene: BRCA1 (BRCA1 DNA repair associated; minus strand). Cytogenetic location: 17q21.31.
Variant type: single nucleotide variant.
Coding change: c.4830T>G on transcript NM_007294.4 (MANE Select); coding-DNA position 4830, T replaced by G.
Protein change: p.Ser1610=; no amino-acid change (serine 1610 retained).
Molecular consequence: synonymous variant. On other transcripts: intron variant (1).
Genome position (GRCh38, 1-based): chr17:43,071,084, A>C on the plus strand (T>G on the coding strand, the complement: BRCA1 is on the minus strand). VCF-style: chr17-43071084-A-C. GRCh37 (hg19) VCF-style: chr17-41223101-A-C.
Other names: c.4890T>G, p.Ser1630= (NM_001407590.1, NM_001407591.1); c.4830T>G, p.Ser1610= (NM_001407593.1, NM_001407594.1, NM_001407596.1 and 8 more transcripts); c.4617T>G, p.Ser1539= (NM_001407571.1, NM_001407894.1, NM_001407895.1 and 12 more transcripts); c.4896T>G, p.Ser1632= (NM_001407581.1, NM_001407582.1); c.4893T>G, p.Ser1631= (NM_001407583.1, NM_001407585.1, NM_001407587.1 and 1 more transcripts); c.4827T>G, p.Ser1609= (NM_001407610.1, NM_001407614.1, NM_001407615.1 and 17 more transcripts); c.4824T>G, p.Ser1608= (NM_001407627.1, NM_001407628.1, NM_001407629.1 and 14 more transcripts); c.4821T>G, p.Ser1607= (NM_001407644.1, NM_001407645.1); and 71 more.
Identifiers: ClinVar variation 512646 (VCV000512646.2), dbSNP rs1555580852, ClinGen allele CA500231813.

ClinVar aggregate classification (germline): Likely benign (1 of 4 stars; one submission).

Submission:

GeneDx
Classification: Likely benign. Last evaluated: 2017-10-13. Review status: criteria provided, single submitter. Criteria: GeneDx Variant Classification (06012015). Collection method: clinical testing. Allele origin: germline. Affected: yes.
Comment: This variant is considered likely benign or benign based on one or more of the following criteria: it is a conservative change, it occurs at a poorly conserved position in the protein, it is predicted to be benign by multiple in silico algorithms, and/or has population frequency not consistent with disease.